The following is an entry in ClinVar:

ClinVar aggregate classification (germline): Pathogenic (1 of 4 stars; one submission).

Submission:

Labcorp Genetics (formerly Invitae), Labcorp
Classification: Pathogenic. Last evaluated: 2023-10-15. Review status: criteria provided, single submitter. Criteria: Invitae Variant Classification Sherloc (09022015). Collection method: clinical testing. Allele origin: germline.
Comment: This sequence change creates a premature translational stop signal (p.Arg930Lysfs*9) in the FREM2 gene. It is expected to result in an absent or disrupted protein product. Loss-of-function variants in FREM2 are known to be pathogenic (PMID: 18203166, 26552811). This variant is not present in population databases (gnomAD no frequency). This variant has not been reported in the literature in individuals affected with FREM2-related conditions. For these reasons, this variant has been classified as Pathogenic.

Literature cited by the submitters: PubMed 18203166; PubMed 26552811.

NM_207361.6(FREM2):c.2788dup (p.Arg930fs)

Gene: FREM2 (FRAS1 related extracellular matrix 2; plus strand). Cytogenetic location: 13q13.3.
Variant type: Duplication.
Coding change: c.2788dup on transcript NM_207361.6 (MANE Select); coding-DNA position 2788, one base duplicated (A; older notation c.2788dupA).
Protein change: p.Arg930fs; shifts the reading frame from arginine 930.
Molecular consequence: frameshift variant.
Genome position (GRCh38, 1-based): chr13:38,690,132, A duplicated. VCF-style (leftmost placement, unchanged base first): chr13-38690131-C-CA. GRCh37 (hg19) VCF-style: chr13-39264268-C-CA.
Other names: short protein forms R930fs.
Identifiers: ClinVar variation 2768640 (VCV002768640.3), dbSNP rs2541356389, ClinGen allele CA2697551832.